The following is an entry in ClinVar:

NM_000329.3(RPE65):c.202C>T (p.His68Tyr)

Gene: RPE65 (retinoid isomerohydrolase RPE65; minus strand). Cytogenetic location: 1p31.3.
Variant type: single nucleotide variant.
Coding change: c.202C>T on transcript NM_000329.3 (MANE Select); coding-DNA position 202, C replaced by T.
Protein change: p.His68Tyr; replaces histidine 68 with tyrosine.
Molecular consequence: missense variant.
Genome position (GRCh38, 1-based): chr1:68,446,753, G>A on the plus strand (C>T on the coding strand, the complement: RPE65 is on the minus strand). VCF-style: chr1-68446753-G-A. GRCh37 (hg19) VCF-style: chr1-68912436-G-A.
Other names: NM_000329.3(RPE65):c.202C>T; short protein forms H68Y.
Identifiers: ClinVar variation 98851 (VCV000098851.7), dbSNP rs61752866, ClinGen allele CA226523.
Genomic context (GRCh38, chr1:68,446,753, plus strand): 5'-ATGGAGTGCTGCTTTACCTTCTGTGGTATGTGACATGTCCTTCTTTAAAGTCAAACTTGT[G>A]CAGGAGGGCTTGCCCATCAAACAGGTGGTAAAATGGCTCAGATCCAACTTCAAAGAGTCC-3'
Protein context (NP_000320.1, residues 58-78): YHLFDGQALL[His68Tyr]KFDFKEGHVT

ClinVar aggregate classification (germline): Pathogenic. Review status: reviewed by expert panel (3 of 4 stars). 6 submissions from 6 submitters: Pathogenic (1). 5 of the submissions do not count toward it. Last evaluated 2025-06-11.

Conditions:
RPE65-related recessive retinopathy. Also called: Recessive RPE65 retinopathy. Identifiers: MedGen CN305526, MONDO:0100368.
Leber congenital amaurosis 2 (LCA2). Also called: AMAUROSIS CONGENITA OF LEBER II; Autosomal Recessive RPE65-Related Retinal Degeneration. Identifiers: Orphanet 65, MedGen C1859844, MONDO:0008765, OMIM 204100. Disease mechanism: loss of function.
Leber congenital amaurosis (LCA). Also called: Leber's amaurosis. Identifiers: Orphanet 65, MedGen C0339527, MeSH D057130, MONDO:0018998.

Allele frequency attached by ClinVar (database versions not stated): TOPMed below 0.00001; gnomAD exomes below 0.00001; ExAC 0.00001.

Submissions (6):

ClinGen Leber Congenital Amaurosis/early Onset Retinal Dystrophy Variant Curation Expert Panel, ClinGen
Classification: Pathogenic for RPE65-related recessive retinopathy. Last evaluated: 2025-06-11. Review status: reviewed by expert panel. Criteria: ClinGen LCAeoRD ACMG Specifications RPE65 V1.0.0. Collection method: curation. Allele origin: germline. Inheritance: Autosomal recessive inheritance.
Comment: NM_000329.3(RPE65):c.202C>T (p.His68Tyr) is a missense variant that replaces histidine with tyrosine at amino acid 68. This variant is present in gnomAD v.4.1.0 at a GrpMax allele frequency of 3.0 x10-7, with 2 alleles /1180040 total alleles in the European (Non-Finnish) population, which is lower than the ClinGen LCA / eoRD VCEP PM2_Supporting threshold of <0.0002 (PM2_Supporting). This variant has been reported in at least 2 unrelated probands with early-onset severe retinal dystrophy who were compound heterozygous with either the NM_000329.3(RPE65):c.883A>T (p.Lys295Ter) variant or the NM_000329.3(RPE65):c.65T>C (p.Leu22Pro) variant confirmed in trans, which were previously classified pathogenic or likely pathogenic by the ClinGen LCA / eoRD VCEP (2 total points, PMID: 32556084, PMID: 11264131, PMID: 9801879, PM3_Strong). At least one proband harboring this variant exhibits a phenotype including a diagnosis of Leber congenital amaurosis (0.5 pts), salt-and-pepper mottling of the fundus (2 pts), absence of fundus autofluorescence (2 pts), OCT showing retina and RPE atrophy with preservation of the fovea (1 pt), decreased visual acuity( 1 pt), nystagmus (1 pt), and patient participation in a gene therapy trial with subjective improvement as well as improvement in BCVA and increased fundus autofluorescence (2 pts), which together are highly specific for RPE65-related recessive retinopathy [total 9.5 points, PMID: 32556084, PP4_Moderate). The computational predictor REVEL gives a score of 0.839, which is above the ClinGen LCA / eoRD VCEP threshold of ≥0.774 and predicts a damaging effect on RPE65 function (PP3_Moderate). The variant exhibited <2 % enzymatic activity in a retinoid isomerase assay relative to the wild-type control, which is lower than the ClinGen LCA / eoRD VCEP PS3_Supporting threshold of <10% activity, indicating that it triggers a severe defect in protein function (PS3_Supporting, PMID: 16150724). In summary, this variant meets the criteria to be classified as pathogenic for RPE65-related recessive retinopathy based on the ACMG/AMP criteria applied, as specified by the ClinGen LCA/eoRD VCEP: PS3_Supporting, PM2_Supporting, PM3_Strong, PP3_Moderate, and PP4_Moderate. (VCEP specifications version 1.0.0; date of approval 09/21/2023).

Medical Molecular Genetics Department, National Research Center
Classification: Likely pathogenic for Leber congenital amaurosis 2. Last evaluated: 2026-03-01. Review status: criteria provided, single submitter. Criteria: ACMG Guidelines, 2015. Collection method: research. Allele origin: germline. Affected: yes. Observed: 2 variant alleles. Not counted in ClinVar's aggregate classification.
Comment: RPE65 c.202C>T (p.His68Tyr): Absent from gnomAD. N-terminal metal-binding residue. Reported pathogenic (PMID:11264131, PMID:37547722). SIFT=0.01, PolyPhen=1.0. Perfect segregation. Classified Likely pathogenic (PM1,PM2,PM3,PP3,PP5)

Natera, Inc.
Classification: Likely pathogenic for Leber congenital amaurosis. Last evaluated: 2024-12-30. Review status: criteria provided, single submitter. Criteria: Natera Variant Classification Schema (03/2026). Collection method: clinical testing. Allele origin: germline. Not counted in ClinVar's aggregate classification.
Comment: The c.202C>T variant in RPE65 is a missense variant predicted to cause substitution of histidine to tyrosine at amino acid 68. This variant is rare in the general population with a frequency below the threshold expected for the associated phenotype(s). This variant has been observed in one or more individuals affected with the associated recessive disease, as either homozygous or compound heterozygous with a second variant (PMID: 36225124). Functional studies show that this variant may disrupt protein function (PMID: 16150724). Computational prediction algorithms indicate this variant is likely to affect gene or protein function. Given the available evidence, this variant is classified as Likely Pathogenic.

Women's Health and Genetics/Laboratory Corporation of America, LabCorp
Classification: Likely pathogenic for Leber congenital amaurosis. Last evaluated: 2024-12-03. Review status: criteria provided, single submitter. Criteria: LabCorp Variant Classification Summary - May 2015. Collection method: clinical testing. Allele origin: germline. Not counted in ClinVar's aggregate classification.
Comment: Variant summary: RPE65 c.202C>T (p.His68Tyr) results in a conservative amino acid change located in the Retinal pigment epithelial membrane protein domain (IPR004294) of the encoded protein sequence. Four of five in-silico tools predict a damaging effect of the variant on protein function. The variant allele was found at a frequency of 4e-06 in 251434 control chromosomes. c.202C>T has been reported in the literature in the compound heterozygous state in individuals affected with Leber Congenital Amaurosis and Retinitis Pigmentosa (Gao_2021, Hamel_2001, Schlottmann_2023, Kilesnikova_2022). These data indicate that the variant may be associated with disease. At least one publication reports experimental evidence evaluating an impact on protein function. The most pronounced variant effect results in <2% of normal activity (Redmond_2005). The following publications have been ascertained in the context of this evaluation (PMID: 33952291, 11264131, 36225124, 16150724, 37217489). ClinVar contains an entry for this variant (Variation ID: 98851). Based on the evidence outlined above, the variant was classified as likely pathogenic.

Baylor Genetics
Classification: Likely pathogenic for Leber congenital amaurosis 2. Last evaluated: 2024-03-07. Review status: criteria provided, single submitter. Criteria: ACMG Guidelines, 2015. Collection method: clinical testing. Allele origin: unknown. Not counted in ClinVar's aggregate classification.

Retina International
No classification provided. Review status: no classification provided. Collection method: not provided. Allele origin: not provided. Not counted in ClinVar's aggregate classification.

Literature cited by the submitters: PubMed 11264131 (cited by Medical Molecular Genetics Department, National Research Center and Women's Health and Genetics/Laboratory Corporation of America, LabCorp); PubMed 37547722 (cited by Medical Molecular Genetics Department, National Research Center); PubMed 36225124 (cited by Natera, Inc. and Women's Health and Genetics/Laboratory Corporation of America, LabCorp); PubMed 16150724 (cited by Natera, Inc. and Women's Health and Genetics/Laboratory Corporation of America, LabCorp); PubMed 37217489 (cited by Women's Health and Genetics/Laboratory Corporation of America, LabCorp); PubMed 33952291 (cited by Women's Health and Genetics/Laboratory Corporation of America, LabCorp).